The following is an entry in ClinVar:

NM_002693.3(POLG):c.3224T>C (p.Leu1075Pro)

Gene: POLG (DNA polymerase gamma, catalytic subunit; minus strand). Cytogenetic location: 15q26.1.
Variant type: single nucleotide variant.
Coding change: c.3224T>C on transcript NM_002693.3 (MANE Select); coding-DNA position 3224, T replaced by C.
Protein change: p.Leu1075Pro; replaces leucine 1075 with proline.
Molecular consequence: missense variant.
Genome position (GRCh38, 1-based): chr15:89,318,980, A>G on the plus strand (T>C on the coding strand, the complement: POLG is on the minus strand). VCF-style: chr15-89318980-A-G. GRCh37 (hg19) VCF-style: chr15-89862211-A-G.
Other names: c.3224T>C, p.Leu1075Pro (NM_001126131.2); short protein forms L1075P.
Identifiers: ClinVar variation 5001551 (VCV005001551.1).

ClinVar aggregate classification (germline): Uncertain significance (1 of 4 stars; one submission).

Conditions:
POLG-related disorder. Also called: POLG-Related Spectrum Disorders; POLG-related condition; POLG-Related Disorders. Identifiers: MedGen C4763519.

gnomAD v4.1: 1 of 1,614,132 alleles (0.000062%); highest among the groups gnomAD compares: African/African-American, 0.0013%; no homozygotes.

Submission:

PreventionGenetics, part of Exact Sciences
Classification: Uncertain significance for POLG-related condition. Last evaluated: 2025-05-07. Review status: criteria provided, single submitter. Criteria: ACMG Guidelines, 2015. Collection method: clinical testing. Allele origin: germline.
Comment: The POLG c.3224T>C variant is predicted to result in the amino acid substitution p.Leu1075Pro. To our knowledge, this variant has not been reported in the literature or in a large population database (gnomAD), indicating this variant is rare. At this time, the clinical significance of this variant is uncertain due to the absence of conclusive functional and genetic evidence.